The following is an entry in ClinVar:

ClinVar aggregate classification (germline): Uncertain significance (1 of 4 stars; one submission).

Allele frequency attached by ClinVar (database versions not stated): gnomAD exomes below 0.00001; TOPMed 0.00001; gnomAD 0.00001.

Submission:

Labcorp Genetics (formerly Invitae), Labcorp
Classification: Uncertain significance. Last evaluated: 2021-09-24. Review status: criteria provided, single submitter. Criteria: Invitae Variant Classification Sherloc (09022015). Collection method: clinical testing. Allele origin: germline.
Comment: This sequence change replaces alanine with valine at codon 42 of the PEPD protein (p.Ala42Val). The alanine residue is moderately conserved and there is a small physicochemical difference between alanine and valine. This variant is not present in population databases (ExAC no frequency). This variant has not been reported in the literature in individuals with PEPD-related conditions. Algorithms developed to predict the effect of missense changes on protein structure and function (SIFT, PolyPhen-2, Align-GVGD) all suggest that this variant is likely to be tolerated, but these predictions have not been confirmed by published functional studies and their clinical significance is uncertain. Algorithms developed to predict the effect of sequence changes on RNA splicing suggest that this variant may create or strengthen a splice site, but this prediction has not been confirmed by published transcriptional studies. In summary, the available evidence is currently insufficient to determine the role of this variant in disease. Therefore, it has been classified as a Variant of Uncertain Significance.

NM_000285.4(PEPD):c.125C>T (p.Ala42Val)

Gene: PEPD (peptidase D; minus strand). Cytogenetic location: 19q13.11.
Variant type: single nucleotide variant.
Coding change: c.125C>T on transcript NM_000285.4 (MANE Select); coding-DNA position 125, C replaced by T.
Protein change: p.Ala42Val; replaces alanine 42 with valine.
Molecular consequence: missense variant.
Genome position (GRCh38, 1-based): chr19:33,512,669, G>A on the plus strand (C>T on the coding strand, the complement: PEPD is on the minus strand). VCF-style: chr19-33512669-G-A. GRCh37 (hg19) VCF-style: chr19-34003575-G-A.
Other names: c.125C>T, p.Ala42Val (NM_001166056.2, NM_001166057.2); short protein forms A42V.
Identifiers: ClinVar variation 1476157 (VCV001476157.5), dbSNP rs1470469535, ClinGen allele CA405233242.
Genomic context (GRCh38, chr19:33,512,669, plus strand): 5'-CCGGTGTCGGTGCAGTAGCGCTGAGTCTCCTCCCCGCCCTGCAGGACCACGATGGAGCCG[G>A]CCTGCACAGCAGGGTTCTTCCGCAGCCGCTCACACAGGCGCTGCCGGTTCAAGGCAAAGA-3'
Protein context (NP_000276.2, residues 32-52): ERLRKNPAVQ[Ala42Val]GSIVVLQGGE